The following is an entry in ClinVar:

NM_032383.5(HPS3):c.1275_1276del (p.Ala426fs)

Gene: HPS3 (HPS3 biogenesis of lysosomal organelles complex 2 subunit 1; plus strand). Cytogenetic location: 3q24.
Variant type: Microsatellite.
Coding change: c.1275_1276del on transcript NM_032383.5 (MANE Select); coding-DNA positions 1275 to 1276, 2 bases deleted (TG; older notation c.1275_1276delTG).
Protein change: p.Ala426fs; shifts the reading frame from alanine 426.
Molecular consequence: frameshift variant.
Genome position (GRCh38, 1-based): chr3:149,153,523-149,153,524, TG deleted; deleting any 2 consecutive bases within chr3:149,153,521-149,153,524 gives the same sequence; the c. name uses the placement nearest the transcript's 3' end. VCF-style (leftmost placement, unchanged base first): chr3-149153520-CTG-C. GRCh37 (hg19) VCF-style: chr3-148871307-CTG-C.
Other names: c.780_781del, p.Ala261fs (NM_001308258.2); short protein forms A261fs, A426fs.
Identifiers: ClinVar variation 5015060 (VCV005015060.1).

ClinVar aggregate classification (germline): Pathogenic (1 of 4 stars; one submission).

Conditions:
Hermansky-Pudlak syndrome 3 (HPS3). Identifiers: Orphanet 231512, Orphanet 79430, MedGen C3888001, MONDO:0013555, OMIM 614072.

Submission:

Myriad Genetics, Inc.
Classification: Pathogenic for Hermansky-Pudlak syndrome 3. Last evaluated: 2025-10-07. Review status: criteria provided, single submitter. Criteria: Myriad Autosomal Dominant, Autosomal Recessive and X-Linked Classification Criteria (2023). Collection method: clinical testing. Allele origin: unknown.
Comment: NM_032383.3(HPS3):c.1275_1276delTG(A426Ffs*16) is expected to be pathogenic in the context of Hermansky-Pudlak syndrome, HPS3-related. This variant is predicted to lead to an abnormal or absent protein product due to the creation of a premature termination codon in HPS3, a gene where loss-of-function variants are known to be pathogenic. Please note: this variant was assessed in the context of healthy population screening.